The following is an entry in ClinVar:

ClinVar aggregate classification (germline): Uncertain significance. Review status: criteria provided, multiple submitters, no conflicts (2 of 4 stars). 2 submissions from 2 submitters: Uncertain significance (2). Last evaluated 2024-08-31.

Allele frequency attached by ClinVar (database versions not stated): gnomAD 0.00012 and 0.00014; TOPMed 0.00023.
gnomAD v4.1: 25 of 1,614,096 alleles (0.0015%); highest among the groups gnomAD compares: Admixed American, 0.033%; no homozygotes.

Submissions (2):

Labcorp Genetics (formerly Invitae), Labcorp
Classification: Uncertain significance. Last evaluated: 2024-08-31. Review status: criteria provided, single submitter. Criteria: Invitae Variant Classification Sherloc (09022015). Collection method: clinical testing. Allele origin: germline.
Comment: This sequence change replaces lysine, which is basic and polar, with arginine, which is basic and polar, at codon 835 of the CTDP1 protein (p.Lys835Arg). This variant is present in population databases (no rsID available, gnomAD 0.003%). This variant has not been reported in the literature in individuals affected with CTDP1-related conditions. ClinVar contains an entry for this variant (Variation ID: 1357534). An algorithm developed to predict the effect of missense changes on protein structure and function (PolyPhen-2) suggests that this variant¬†is likely to be tolerated. In summary, the available evidence is currently insufficient to determine the role of this variant in disease. Therefore, it has been classified as a Variant of Uncertain Significance.

Ambry Genetics
Classification: Uncertain significance. Last evaluated: 2023-12-19. Review status: criteria provided, single submitter. Criteria: Ambry Variant Classification Scheme 2023. Collection method: clinical testing. Allele origin: germline.

NM_004715.5(CTDP1):c.2504A>G (p.Lys835Arg)

Gene: CTDP1 (CTD phosphatase subunit 1; plus strand). Cytogenetic location: 18q23.
Variant type: single nucleotide variant.
Coding change: c.2504A>G on transcript NM_004715.5 (MANE Select); coding-DNA position 2504, A replaced by G.
Protein change: p.Lys835Arg; replaces lysine 835 with arginine.
Molecular consequence: missense variant. On other transcripts: intron variant (1).
Genome position (GRCh38, 1-based): chr18:79,728,993, A>G. VCF-style: chr18-79728993-A-G. GRCh37 (hg19) VCF-style: chr18-77488993-A-G.
Other names: c.2147A>G, p.Lys716Arg (NM_001202504.1); c.2504A>G, p.Lys835Arg (NM_001318511.2); c.2418-7362A>G (NM_048368.4); c.2504A>G (NM_004715.4); short protein forms K716R, K835R.
Identifiers: ClinVar variation 1357534 (VCV001357534.5), dbSNP rs1036854570, ClinGen allele CA303781003.